The following is an entry in ClinVar:

ClinVar aggregate classification (germline): Uncertain significance (1 of 4 stars; one submission).

Submission:

GeneDx
Classification: Uncertain significance. Last evaluated: 2025-01-17. Review status: criteria provided, single submitter. Criteria: GeneDx Variant Classification Process June 2021. Collection method: clinical testing. Allele origin: germline. Affected: yes.
Comment: Not observed at significant frequency in large population cohorts (gnomAD); In silico analysis supports that this missense variant has a deleterious effect on protein structure/function; Has not been previously published as pathogenic or benign to our knowledge

NM_005765.3(ATP6AP2):c.211C>T (p.Arg71Cys)

Gene: ATP6AP2 (ATPase H+ transporting accessory protein 2; plus strand). Cytogenetic location: Xp11.4.
Variant type: single nucleotide variant.
Coding change: c.211C>T on transcript NM_005765.3 (MANE Select); coding-DNA position 211, C replaced by T.
Protein change: p.Arg71Cys; replaces arginine 71 with cysteine.
Molecular consequence: missense variant.
Genome position (GRCh38, 1-based): chrX:40,591,276, C>T. VCF-style: chrX-40591276-C-T. GRCh37 (hg19) VCF-style: chrX-40450528-C-T.
Other names: short protein forms R71C.
Identifiers: ClinVar variation 4070798 (VCV004070798.1).